The following is an entry in ClinVar:

NM_025082.4(CENPT):c.264G>A (p.Thr88=)

Gene: CENPT (centromere protein T; minus strand). Cytogenetic location: 16q22.1.
Variant type: single nucleotide variant.
Coding change: c.264G>A on transcript NM_025082.4 (MANE Select); coding-DNA position 264, G replaced by A.
Protein change: p.Thr88=; no amino-acid change (threonine 88 retained).
Molecular consequence: synonymous variant.
Genome position (GRCh38, 1-based): chr16:67,832,253, C>T on the plus strand (G>A on the coding strand, the complement: CENPT is on the minus strand). VCF-style: chr16-67832253-C-T. GRCh37 (hg19) VCF-style: chr16-67866156-C-T.
Identifiers: ClinVar variation 3034907 (VCV003034907.2), dbSNP rs189805146, ClinGen allele CA8117977.
Genomic context (GRCh38, chr16:67,832,253, plus strand): 5'-ACCTAACTCTGACCGGCAGGCCAGCGCTCACTTACCAGTTAGTAGGATGTTCTTCAGCAG[C>T]GTCCGAGGTGTCTGTTCCTCCAAGTGCCCACTGGCCTGAATATGGGCCGATCTGCCAACA-3'
Protein context (NP_079358.3, residues 78-98): SGHLEEQTPR[Thr88=]LLKNILLTAP

ClinVar aggregate classification (germline): Likely benign (0 of 4 stars; one submission).

Conditions:
CENPT-related disorder. Also called: CENPT-related condition.

Allele frequency attached by ClinVar (database versions not stated): ESP Exome Variant Server 0.00008; gnomAD exomes 0.00009; gnomAD 0.00013; 1000 Genomes Project 30x 0.00016; 1000 Genomes Project 0.00020; TOPMed 0.00031; ExAC 0.00035.
gnomAD v4.1: 155 of 1,614,184 alleles (0.0096%); highest among the groups gnomAD compares: Admixed American, 0.21%; 1 homozygote.

Submission:

PreventionGenetics, part of Exact Sciences
Classification: Likely benign for CENPT-related condition. Last evaluated: 2019-08-13. Review status: no assertion criteria provided. Collection method: clinical testing. Allele origin: germline.
Comment: This variant is classified as likely benign based on ACMG/AMP sequence variant interpretation guidelines (Richards et al. 2015 PMID: 25741868, with internal and published modifications).